The following is an entry in ClinVar:

NM_033305.3(VPS13A):c.1290G>A (p.Trp430Ter)

Gene: VPS13A (vacuolar protein sorting 13 homolog A; plus strand). Cytogenetic location: 9q21.2.
Variant type: single nucleotide variant.
Coding change: c.1290G>A on transcript NM_033305.3 (MANE Select); coding-DNA position 1290, G replaced by A.
Protein change: p.Trp430Ter; replaces tryptophan 430 with a stop codon.
Molecular consequence: nonsense.
Genome position (GRCh38, 1-based): chr9:77,226,531, G>A. VCF-style: chr9-77226531-G-A. GRCh37 (hg19) VCF-style: chr9-79841447-G-A.
Other names: c.1290G>A, p.Trp430Ter (NM_001018037.2, NM_001018038.3, NM_015186.4); c.1290G>A (NM_033305.2); short protein forms W430*.
Identifiers: ClinVar variation 1361410 (VCV001361410.7), dbSNP rs1238782647, ClinGen allele CA373845214.

ClinVar aggregate classification (germline): Pathogenic/Likely pathogenic. Review status: criteria provided, multiple submitters, no conflicts (2 of 4 stars). 2 submissions from 2 submitters: Pathogenic (1); Likely pathogenic (1). Last evaluated 2025-06-09.

Conditions:
VPS13A-related neurodegenerative disease. Also called: VPS13A Disease; LEVINE-CRITCHLEY SYNDROME; Choreoacanthocytosis; Chorea-acanthocytosis; ACANTHOCYTOSIS WITH NEUROLOGIC DISORDER; Choreaacanthocytosis. Identifiers: Orphanet 2388, MedGen C0393576, MONDO:0008695, OMIM 200150.

Allele frequency attached by ClinVar (database versions not stated): gnomAD exomes below 0.00001.
gnomAD v4.1: 1 of 1,613,120 alleles (0.000062%); highest among the groups gnomAD compares: East Asian, 0.0022%; no homozygotes.

Submissions (2):

Natera, Inc.
Classification: Likely pathogenic for Choreaacanthocytosis. Last evaluated: 2025-06-09. Review status: criteria provided, single submitter. Criteria: Natera Variant Classification Schema (03/2026). Collection method: clinical testing. Allele origin: germline.
Comment: The c.1290G>A variant in VPS13A is a nonsense variant predicted to introduce a stop codon at amino acid 430. This variant is expected to result in nonsense mediated decay, truncation, or a dysfunctional protein product. This variant is rare in the general population with a frequency below the threshold expected for the associated phenotype(s). Given the available evidence, this variant is classified as Likely Pathogenic.

Labcorp Genetics (formerly Invitae), Labcorp
Classification: Pathogenic. Last evaluated: 2021-10-03. Review status: criteria provided, single submitter. Criteria: Invitae Variant Classification Sherloc (09022015). Collection method: clinical testing. Allele origin: germline.
Comment: For these reasons, this variant has been classified as Pathogenic. This variant has not been reported in the literature in individuals affected with VPS13A-related conditions. This variant is not present in population databases (ExAC no frequency). This sequence change creates a premature translational stop signal (p.Trp430*) in the VPS13A gene. It is expected to result in an absent or disrupted protein product. Loss-of-function variants in VPS13A are known to be pathogenic (PMID: 12404112, 21598378).

Literature cited by the submitters: PubMed 12404112 (cited by Labcorp Genetics (formerly Invitae), Labcorp); PubMed 21598378 (cited by Labcorp Genetics (formerly Invitae), Labcorp).